The following is an entry in ClinVar:

NM_016203.4(PRKAG2):c.1540C>A (p.Leu514Met)

Gene: PRKAG2 (protein kinase AMP-activated non-catalytic subunit gamma 2; minus strand). Cytogenetic location: 7q36.1.
Variant type: single nucleotide variant.
Coding change: c.1540C>A on transcript NM_016203.4 (MANE Select); coding-DNA position 1540, C replaced by A.
Protein change: p.Leu514Met; replaces leucine 514 with methionine.
Molecular consequence: missense variant.
Genome position (GRCh38, 1-based): chr7:151,564,122, G>T on the plus strand (C>A on the coding strand, the complement: PRKAG2 is on the minus strand). VCF-style: chr7-151564122-G-T. GRCh37 (hg19) VCF-style: chr7-151261208-G-T.
Other names: c.1408C>A, p.Leu470Met (NM_001040633.2, NM_001407024.1); c.1165C>A, p.Leu389Met (NM_001304527.2, NM_001407029.1); c.817C>A, p.Leu273Met (NM_001304531.2, NM_001407034.1, NM_001407035.1 and 1 more transcripts); c.1168C>A, p.Leu390Met (NM_001363698.2, NM_001407028.1); c.1540C>A, p.Leu514Met (NM_001407021.1); c.1537C>A, p.Leu513Met (NM_001407022.1, NM_001407023.1); c.1405C>A, p.Leu469Met (NM_001407026.1, NM_001407027.1); c.1252C>A, p.Leu418Met (NM_001407030.1); and 6 more; short protein forms L272M, L417M, L418M, L470M, L273M, L289M, L389M, L406M.
Identifiers: ClinVar variation 3689342 (VCV003689342.2).
Genomic context (GRCh38, chr7:151,564,122, plus strand): 5'-GGGAAAGCCGTCTCACCTCAGCTCTTACTATTCTGTCCACGATGGTCTCCAGTATTTCCA[G>T]CTTATTGCACTTCACAACACCTTCAAAATACTGTGAACGGTGCTGAAGGGCCTGGGTCAC-3'
Protein context (NP_057287.2, residues 504-524): YFEGVVKCNK[Leu514Met]EILETIVDRI

ClinVar aggregate classification (germline): Uncertain significance (1 of 4 stars; one submission).

Conditions:
Lethal congenital glycogen storage disease of heart. Also called: GLYCOGEN STORAGE DISEASE OF HEART; PHOSPHORYLASE KINASE DEFICIENCY OF HEART. Identifiers: Orphanet 439854, MedGen C1849813, MONDO:0009867, OMIM 261740.

gnomAD v4.1: 3 of 1,614,130 alleles (0.00019%); highest among the groups gnomAD compares: Non-Finnish European, 0.00025%; no homozygotes.

Submission:

Labcorp Genetics (formerly Invitae), Labcorp
Classification: Uncertain significance for Lethal congenital glycogen storage disease of heart. Last evaluated: 2024-05-14. Review status: criteria provided, single submitter. Criteria: Invitae Variant Classification Sherloc (09022015). Collection method: clinical testing. Allele origin: germline.
Comment: This sequence change replaces leucine, which is neutral and non-polar, with methionine, which is neutral and non-polar, at codon 514 of the PRKAG2 protein (p.Leu514Met). This variant is not present in population databases (gnomAD no frequency). This variant has not been reported in the literature in individuals affected with PRKAG2-related conditions. Advanced modeling of protein sequence and biophysical properties (such as structural, functional, and spatial information, amino acid conservation, physicochemical variation, residue mobility, and thermodynamic stability) performed at Invitae indicates that this missense variant is not expected to disrupt PRKAG2 protein function with a negative predictive value of 95%. In summary, the available evidence is currently insufficient to determine the role of this variant in disease. Therefore, it has been classified as a Variant of Uncertain Significance.